The following is an entry in ClinVar:

ClinVar aggregate classification (germline): Likely pathogenic. Review status: criteria provided, multiple submitters, no conflicts (2 of 4 stars). 3 submissions from 3 submitters: Likely pathogenic (2). 1 of the submissions does not count toward it. Last evaluated 2025-09-10.

Conditions:
EAST syndrome (SESAMES). Also called: SEIZURES, SENSORINEURAL DEAFNESS, ATAXIA, IMPAIRED INTELLECTUAL DEVELOPMENT, AND ELECTROLYTE IMBALANCE. Identifiers: Orphanet 199343, MedGen C2748572, MONDO:0013005, OMIM 612780.

Allele frequency attached by ClinVar (database versions not stated): gnomAD exomes below 0.00001; ExAC 0.00001.
gnomAD v4.1: 2 of 1,612,988 alleles (0.00012%); highest among the groups gnomAD compares: South Asian, 0.0011%; no homozygotes.

Submissions (3):

Genomic Medicine Center of Excellence, King Faisal Specialist Hospital and Research Centre
Classification: Likely pathogenic for EAST syndrome. Last evaluated: 2025-09-10. Review status: criteria provided, single submitter. Criteria: ACMG Guidelines, 2015. Collection method: clinical testing. Allele origin: germline.

Labcorp Genetics (formerly Invitae), Labcorp
Classification: Likely pathogenic for EAST syndrome. Last evaluated: 2020-10-28. Review status: criteria provided, single submitter. Criteria: Invitae Variant Classification Sherloc (09022015). Collection method: clinical testing. Allele origin: germline.
Comment: This variant disrupts the p.Arg65 amino acid residue in KCNJ10. Other variant(s) that disrupt this residue have been determined to be pathogenic (PMID: 19420365). This suggests that this residue is clinically significant, and that variants that disrupt this residue are likely to be disease-causing. In summary, the currently available evidence indicates that the variant is pathogenic, but additional data are needed to prove that conclusively. Therefore, this variant has been classified as Likely Pathogenic. Experimental studies have shown that this variant affects KCNJ10 protein function (PMID: 21849804). This variant has been observed in individual(s) with KCNJ10-related conditions (PMID: 21849804, 28835827). ClinVar contains an entry for this variant (Variation ID: 30251). This variant is present in population databases (rs387906834, ExAC 0.006%). This sequence change replaces arginine with cysteine at codon 65 of the KCNJ10 protein (p.Arg65Cys). The arginine residue is highly conserved and there is a large physicochemical difference between arginine and cysteine.

OMIM
Classification: Pathogenic for SEIZURES, SENSORINEURAL DEAFNESS, ATAXIA, IMPAIRED INTELLECTUAL DEVELOPMENT, AND ELECTROLYTE IMBALANCE. Last evaluated: 2011-01-01. Review status: no assertion criteria provided. Collection method: literature only. Allele origin: germline. Not counted in ClinVar's aggregate classification.

Literature cited by the submitters: PubMed 19420365 (cited by Labcorp Genetics (formerly Invitae), Labcorp); PubMed 21849804 (cited by Labcorp Genetics (formerly Invitae), Labcorp and OMIM); PubMed 28835827 (cited by Labcorp Genetics (formerly Invitae), Labcorp).

NM_002241.5(KCNJ10):c.193C>T (p.Arg65Cys)

Gene: KCNJ10 (potassium inwardly rectifying channel subfamily J member 10; minus strand). Cytogenetic location: 1q23.2.
Variant type: single nucleotide variant.
Coding change: c.193C>T on transcript NM_002241.5 (MANE Select); coding-DNA position 193, C replaced by T.
Protein change: p.Arg65Cys; replaces arginine 65 with cysteine.
Molecular consequence: missense variant.
Genome position (GRCh38, 1-based): chr1:160,042,340, G>A on the plus strand (C>T on the coding strand, the complement: KCNJ10 is on the minus strand). VCF-style: chr1-160042340-G-A. GRCh37 (hg19) VCF-style: chr1-160012130-G-A.
Other names: short protein forms R65C.
Identifiers: ClinVar variation 30251 (VCV000030251.12), dbSNP rs387906834, ClinGen allele CA129068.
Genomic context (GRCh38, chr1:160,042,340, plus strand): 5'-CCACGCCAAAGAGGAACCATGTGCCTGCAAAGGTCGCAGAGAAGAGCAGAAGCTTGTAGC[G>A]CCACTGCATGTCAATGAAGGTTGTCCACAGGTCCTTGAGGTAGAGGAAGCGCTTGTCGGC-3'
Protein context (NP_002232.2, residues 55-75): LWTTFIDMQW[Arg65Cys]YKLLLFSATF